The following is an entry in ClinVar:

NM_001267550.2(TTN):c.93541G>T (p.Glu31181Ter)

Genes: TTN-AS1 (TTN antisense RNA 1; plus strand), TTN (titin; minus strand). Cytogenetic location: 2q31.2.
Variant type: single nucleotide variant.
Coding change: c.93541G>T on transcript NM_001267550.2 (MANE Select); coding-DNA position 93541, G replaced by T.
Protein change: p.Glu31181Ter; replaces glutamic acid 31181 with a stop codon.
Molecular consequence: nonsense.
Genome position (GRCh38, 1-based): chr2:178,548,085, C>A on the plus strand (G>T on the coding strand, the complement: TTN is on the minus strand). VCF-style: chr2-178548085-C-A. GRCh37 (hg19) VCF-style: chr2-179412812-C-A.
Other names: c.88618G>T, p.Glu29540Ter (NM_001256850.1); c.66346G>T, p.Glu22116Ter (NM_003319.4); c.85837G>T, p.Glu28613Ter (NM_133378.4); c.66721G>T, p.Glu22241Ter (NM_133432.3); c.66922G>T, p.Glu22308Ter (NM_133437.4); short protein forms E31181*, E22116*, E29540*, E22308*, E28613*, E22241*.
Identifiers: ClinVar variation 466670 (VCV000466670.9), dbSNP rs1243301263, ClinGen allele CA349482402.
Genomic context (GRCh38, chr2:178,548,085, plus strand): 5'-AGGCTTCTCTGGGTTCACTATAGCCAGCATCATTCTTGGCCTTCACACGGAATTCATATT[C>A]AGTTTTCTCAACAAGACGCTCTACTGTGAAAGTTAGCTGTTTGGTGTGACCAGCTTCAAC-3'

ClinVar aggregate classification (germline): Likely pathogenic. Review status: criteria provided, multiple submitters, no conflicts (2 of 4 stars). 2 submissions from 2 submitters: Likely pathogenic (2). Last evaluated 2025-10-03.

Conditions:
Cardiomyopathy (CMYO). Also called: Cardiomyopathies. Identifiers: Orphanet 167848, MedGen C0878544, MONDO:0004994, HP:0001638. Inheritance: Various modes of inheritance.
Autosomal recessive limb-girdle muscular dystrophy type 2J (LGMDR10). Also called: Limb-girdle muscular dystrophy, type 2J; MUSCULAR DYSTROPHY, LIMB-GIRDLE, AUTOSOMAL RECESSIVE 10. Identifiers: Orphanet 140922, MedGen C1837342, MONDO:0012127, OMIM 608807.
Dilated cardiomyopathy 1G (CMD1G). Identifiers: Orphanet 154, MedGen C1858763, MONDO:0011400, OMIM 604145.

Submissions (2):

Labcorp Genetics (formerly Invitae), Labcorp
Classification: Likely pathogenic for Dilated cardiomyopathy 1G; Autosomal recessive limb-girdle muscular dystrophy type 2J. Last evaluated: 2025-10-03. Review status: criteria provided, single submitter. Criteria: Invitae Variant Classification Sherloc (09022015). Collection method: clinical testing. Allele origin: germline.
Comment: This sequence change creates a premature translational stop signal (p.Glu31181*) in the TTN gene. While this is not anticipated to result in nonsense mediated decay, it is expected to create a truncated TTN protein. This variant is not present in population databases (gnomAD no frequency). This variant has not been reported in the literature in individuals affected with TTN-related conditions. ClinVar contains an entry for this variant (Variation ID: 466670). This variant is located in the A band of TTN (PMID: 25589632). Truncating variants in this region are significantly overrepresented in patients affected with dilated cardiomyopathy (PMID: 25589632). Truncating variants in this region have also been reported in individuals affected with autosomal recessive centronuclear myopathy (PMID: 23975875). In summary, the currently available evidence indicates that the variant is pathogenic, but additional data are needed to prove that conclusively. Therefore, this variant has been classified as Likely Pathogenic.

CHEO Genetics Diagnostic Laboratory, Children's Hospital of Eastern Ontario
Classification: Likely pathogenic for Cardiomyopathy. Last evaluated: 2021-01-27. Review status: criteria provided, single submitter. Criteria: ACMG Guidelines, 2015. Collection method: clinical testing. Allele origin: germline.

Literature cited by the submitters: PubMed 25589632 (cited by Labcorp Genetics (formerly Invitae), Labcorp); PubMed 23975875 (cited by Labcorp Genetics (formerly Invitae), Labcorp).